The following is an entry in ClinVar:

ClinVar aggregate classification (germline): Uncertain significance (1 of 4 stars; one submission).

Conditions:
Combined oxidative phosphorylation defect type 17. Also called: Combined oxidative phosphorylation deficiency 17. Identifiers: Orphanet 369913, MedGen C3809526, MONDO:0014190, OMIM 615440.

Allele frequency attached by ClinVar (database versions not stated): TOPMed below 0.00001; gnomAD exomes 0.00001; gnomAD 0.00003.
gnomAD v4.1: 11 of 1,614,060 alleles (0.00068%); highest among the groups gnomAD compares: Non-Finnish European, 0.00093%; no homozygotes.

Submission:

Labcorp Genetics (formerly Invitae), Labcorp
Classification: Uncertain significance for Combined oxidative phosphorylation defect type 17. Last evaluated: 2022-08-18. Review status: criteria provided, single submitter. Criteria: Invitae Variant Classification Sherloc (09022015). Collection method: clinical testing. Allele origin: germline.
Comment: Algorithms developed to predict the effect of missense changes on protein structure and function (SIFT, PolyPhen-2, Align-GVGD) all suggest that this variant is likely to be tolerated. In summary, the available evidence is currently insufficient to determine the role of this variant in disease. Therefore, it has been classified as a Variant of Uncertain Significance. Algorithms developed to predict the effect of sequence changes on RNA splicing suggest that this variant may disrupt the consensus splice site. ClinVar contains an entry for this variant (Variation ID: 1519271). This variant has not been reported in the literature in individuals affected with ELAC2-related conditions. This variant is present in population databases (rs779111320, gnomAD 0.03%). This sequence change replaces asparagine, which is neutral and polar, with serine, which is neutral and polar, at codon 220 of the ELAC2 protein (p.Asn220Ser).

NM_018127.7(ELAC2):c.659A>G (p.Asn220Ser)

Gene: ELAC2 (elaC ribonuclease Z 2; minus strand). Cytogenetic location: 17p12.
Variant type: single nucleotide variant.
Coding change: c.659A>G on transcript NM_018127.7 (MANE Select); coding-DNA position 659, A replaced by G.
Protein change: p.Asn220Ser; replaces asparagine 220 with serine.
Molecular consequence: missense variant. On other transcripts: intron variant (1).
Genome position (GRCh38, 1-based): chr17:13,011,683, T>C on the plus strand (A>G on the coding strand, the complement: ELAC2 is on the minus strand). VCF-style: chr17-13011683-T-C. GRCh37 (hg19) VCF-style: chr17-12915000-T-C.
Other names: c.659A>G, p.Asn220Ser (NM_173717.2); c.560-1012A>G (NM_001165962.2); short protein forms N220S.
Identifiers: ClinVar variation 1519271 (VCV001519271.4), dbSNP rs779111320, ClinGen allele CA288062918.